The following is an entry in ClinVar:

ClinVar aggregate classification (germline): Uncertain significance (1 of 4 stars; one submission).

Submission:

Women's Health and Genetics/Laboratory Corporation of America, LabCorp
Classification: Uncertain significance. Last evaluated: 2026-05-19. Review status: criteria provided, single submitter. Criteria: LabCorp Variant Classification Summary - May 2015. Collection method: clinical testing. Allele origin: germline.
Comment: Variant summary: EDC3 c.*1251_*1674del424 involves a large deletion located in the untranslated mRNA region downstream of the termination codon. The variant was absent in 123510 control chromosomes in the gnomAD database (Structural Variants v4.1 dataset). The available data on variant occurrences in the general population are insufficient to allow any conclusion about variant significance. To our knowledge, no occurrence of c.*1251_*1674del424 in individuals affected with EDC3-related conditions and no experimental evidence demonstrating its impact on protein function have been reported. No submitters have cited clinical-significance assessments for this variant to ClinVar. Based on the evidence outlined above, the variant was classified as uncertain significance.

NM_025083.5(EDC3):c.*1251_*1674del

Gene: EDC3 (enhancer of mRNA decapping 3; minus strand). Cytogenetic location: 15q24.1.
Variant type: Deletion.
Coding change: c.*1251_*1674del on transcript NM_025083.5 (MANE Select); 1251 bases downstream of the stop codon through 1674 bases downstream of the stop codon, 424 bases deleted.
Molecular consequence: 3 prime UTR variant.
Genome position (GRCh38, 1-based): chr15:74,630,938-74,631,361, 424 bases deleted. GRCh37 (hg19): chr15:74,923,280-74,923,703.
Other names: c.*1251_*1674del424 (NM_025083.5); c.*1251_*1674del (NM_001142443.3, NM_001142444.3, NM_001351378.2 and 1 more transcripts).
Identifiers: ClinVar variation 4853796 (VCV004853796.1).